The following is an entry in ClinVar:

NM_000496.3(CRYBB2):c.543C>T (p.His181=)

Gene: CRYBB2 (crystallin beta B2; plus strand). Cytogenetic location: 22q11.23.
Variant type: single nucleotide variant.
Coding change: c.543C>T on transcript NM_000496.3 (MANE Select); coding-DNA position 543, C replaced by T.
Protein change: p.His181=; no amino-acid change (histidine 181 retained).
Molecular consequence: synonymous variant.
Genome position (GRCh38, 1-based): chr22:25,231,697, C>T. VCF-style: chr22-25231697-C-T. GRCh37 (hg19) VCF-style: chr22-25627664-C-T.
Identifiers: ClinVar variation 2653004 (VCV002653004.24), dbSNP rs776509242, ClinGen allele CA513894835.

ClinVar aggregate classification (germline): Likely benign. Review status: criteria provided, multiple submitters, no conflicts (2 of 4 stars). 2 submissions from 2 submitters: Likely benign (2). Last evaluated 2024-11-06.

gnomAD v4.1: 9 of 1,614,104 alleles (0.00056%); highest among the groups gnomAD compares: Non-Finnish European, 0.00068%; no homozygotes.

Submissions (2):

Blueprint Genetics
Classification: Likely benign. Last evaluated: 2024-11-06. Review status: criteria provided, single submitter. Criteria: ACMG Guidelines, 2015. Collection method: clinical testing. Allele origin: germline.

CeGaT Center for Human Genetics Tuebingen
Classification: Likely benign. Last evaluated: 2022-04-01. Review status: criteria provided, single submitter. Criteria: CeGaT Center For Human Genetics Tuebingen Variant Classification Criteria Version 2. Collection method: clinical testing. Allele origin: germline. Affected: yes. Observed: 1 variant allele.
Comment: CRYBB2: BP4, BP7